The following is an entry in ClinVar:

NM_000901.5(NR3C2):c.1183G>T (p.Val395Phe)

Gene: NR3C2 (nuclear receptor subfamily 3 group C member 2; minus strand). Cytogenetic location: 4q31.23.
Variant type: single nucleotide variant.
Coding change: c.1183G>T on transcript NM_000901.5 (MANE Select); coding-DNA position 1183, G replaced by T.
Protein change: p.Val395Phe; replaces valine 395 with phenylalanine.
Molecular consequence: missense variant. On other transcripts: non-coding transcript variant (1).
Genome position (GRCh38, 1-based): chr4:148,435,678, C>A on the plus strand (G>T on the coding strand, the complement: NR3C2 is on the minus strand). VCF-style: chr4-148435678-C-A. GRCh37 (hg19) VCF-style: chr4-149356830-C-A.
Other names: c.1183G>T, p.Val395Phe (NM_001166104.2, NM_001354819.1); short protein forms V395F.
Identifiers: ClinVar variation 1045907 (VCV001045907.8), dbSNP rs764140077, ClinGen allele CA358247162.

ClinVar aggregate classification (germline): Uncertain significance (1 of 4 stars; one submission).

Submission:

Labcorp Genetics (formerly Invitae), Labcorp
Classification: Uncertain significance. Last evaluated: 2017-09-04. Review status: criteria provided, single submitter. Criteria: Invitae Variant Classification Sherloc (09022015). Collection method: clinical testing. Allele origin: germline.
Comment: In summary, the available evidence is currently insufficient to determine the role of this variant in disease. Therefore, it has been classified as a Variant of Uncertain Significance. Algorithms developed to predict the effect of missense changes on protein structure and function do not agree on the potential impact of this missense change (SIFT: "Deleterious"; PolyPhen-2: "Possibly Damaging"; Align-GVGD: "Class C0"). This variant has not been reported in the literature in individuals with NR3C2-related disease. This variant is not present in population databases (ExAC no frequency). This sequence change replaces valine with phenylalanine at codon 395 of the NR3C2 protein (p.Val395Phe). The valine residue is highly conserved and there is a small physicochemical difference between valine and phenylalanine.